The following is an entry in ClinVar:

NM_005045.4(RELN):c.10211G>A (p.Arg3404His)

Genes: RELN (reelin; minus strand), SLC26A5-AS1 (SLC26A5 antisense RNA 1; plus strand). Cytogenetic location: 7q22.1.
Variant type: single nucleotide variant.
Coding change: c.10211G>A on transcript NM_005045.4 (MANE Select); coding-DNA position 10211, G replaced by A.
Protein change: p.Arg3404His; replaces arginine 3404 with histidine.
Molecular consequence: missense variant.
Genome position (GRCh38, 1-based): chr7:103,482,942, C>T on the plus strand (G>A on the coding strand, the complement: RELN is on the minus strand). VCF-style: chr7-103482942-C-T. GRCh37 (hg19) VCF-style: chr7-103123389-C-T.
Other names: c.10211G>A, p.Arg3404His (NM_173054.3); c.10211G>A (NM_173054.2); short protein forms R3404H.
Identifiers: ClinVar variation 1496328 (VCV001496328.7), dbSNP rs1473736832, ClinGen allele CA368737812.
Genomic context (GRCh38, chr7:103,482,942, plus strand): 5'-TCCACATGGTCCAAAGCCCATTGATCATGACCTGTTCCATTGTGGCGTGGTTGCCACCAG[C>T]GCAGTAAGACTCCTTTCATCCGTGCCTCCCTGGGTCACACACAGAAGGACAAAGAAGTTA-3'
Protein context (NP_005036.2, residues 3394-3414): LEARMKGVLL[Arg3404His]WWQPRHNGTG

ClinVar aggregate classification (germline): Uncertain significance. Review status: criteria provided, multiple submitters, no conflicts (2 of 4 stars). 2 submissions from 2 submitters: Uncertain significance (2). Last evaluated 2025-12-26.

Conditions:
Familial temporal lobe epilepsy 7. Identifiers: Orphanet 101046, MedGen C4225327, MONDO:0014639, OMIM 616436.
Norman-Roberts syndrome (LIS2). Also called: Lissencephaly 2 (Norman-Roberts type). Identifiers: Orphanet 89844, MedGen C0796089, MONDO:0009760, OMIM 257320.

Allele frequency attached by ClinVar (database versions not stated): gnomAD exomes below 0.00001.
gnomAD v4.1: 2 of 1,614,118 alleles (0.00012%); highest among the groups gnomAD compares: South Asian, 0.0011%; no homozygotes.

Submissions (2):

Genetics and Genomic Medicine Centre, NeuroGen Healthcare, NeuroGen Healthcare
Classification: Uncertain significance for Familial temporal lobe epilepsy 7. Last evaluated: 2025-12-26. Review status: criteria provided, single submitter. Criteria: ACMG Guidelines, 2015. Collection method: clinical testing. Allele origin: unknown. Affected: yes.

Labcorp Genetics (formerly Invitae), Labcorp
Classification: Uncertain significance for Familial temporal lobe epilepsy 7; Norman-Roberts syndrome. Last evaluated: 2024-09-29. Review status: criteria provided, single submitter. Criteria: Invitae Variant Classification Sherloc (09022015). Collection method: clinical testing. Allele origin: germline.
Comment: This sequence change replaces arginine, which is basic and polar, with histidine, which is basic and polar, at codon 3404 of the RELN protein (p.Arg3404His). This variant is present in population databases (no rsID available, gnomAD 0.003%). This variant has not been reported in the literature in individuals affected with RELN-related conditions. ClinVar contains an entry for this variant (Variation ID: 1496328). Invitae Evidence Modeling of protein sequence and biophysical properties (such as structural, functional, and spatial information, amino acid conservation, physicochemical variation, residue mobility, and thermodynamic stability) indicates that this missense variant is not expected to disrupt RELN protein function with a negative predictive value of 80%. In summary, the available evidence is currently insufficient to determine the role of this variant in disease. Therefore, it has been classified as a Variant of Uncertain Significance.